The following is an entry in ClinVar:

NM_017813.5(BPNT2):c.118G>A (p.Gly40Ser)

Genes: BPNT2 (3'(2'), 5'-bisphosphate nucleotidase 2; minus strand), LOC130000433 (ATAC-STARR-seq lymphoblastoid silent region 19212; plus strand). Cytogenetic location: 8q12.1.
Variant type: single nucleotide variant.
Coding change: c.118G>A on transcript NM_017813.5 (MANE Select); coding-DNA position 118, G replaced by A.
Protein change: p.Gly40Ser; replaces glycine 40 with serine.
Molecular consequence: missense variant.
Genome position (GRCh38, 1-based): chr8:56,993,468, C>T on the plus strand (G>A on the coding strand, the complement: BPNT2 is on the minus strand). VCF-style: chr8-56993468-C-T. GRCh37 (hg19) VCF-style: chr8-57906027-C-T.
Other names: short protein forms G40S.
Identifiers: ClinVar variation 1001362 (VCV001001362.9), dbSNP rs1184270689, ClinGen allele CA371386368.

ClinVar aggregate classification (germline): Uncertain significance (1 of 4 stars; one submission).

Submission:

Labcorp Genetics (formerly Invitae), Labcorp
Classification: Uncertain significance. Last evaluated: 2020-03-05. Review status: criteria provided, single submitter. Criteria: Invitae Variant Classification Sherloc (09022015). Collection method: clinical testing. Allele origin: germline.
Comment: This sequence change replaces glycine with serine at codon 40 of the IMPAD1 protein (p.Gly40Ser). The glycine residue is moderately conserved and there is a small physicochemical difference between glycine and serine. The frequency data for this variant in the population databases is considered unreliable, as metrics indicate insufficient coverage at this position in the ExAC database. This variant has not been reported in the literature in individuals with IMPAD1-related conditions. Algorithms developed to predict the effect of missense changes on protein structure and function (SIFT, PolyPhen-2, Align-GVGD) all suggest that this variant is likely to be tolerated, but these predictions have not been confirmed by published functional studies and their clinical significance is uncertain. In summary, the available evidence is currently insufficient to determine the role of this variant in disease. Therefore, it has been classified as a Variant of Uncertain Significance.